The following is an entry in ClinVar:

NM_001079843.3(CASZ1):c.4256C>T (p.Ala1419Val)

Gene: CASZ1 (castor zinc finger 1; minus strand). Cytogenetic location: 1p36.22.
Variant type: single nucleotide variant.
Coding change: c.4256C>T on transcript NM_001079843.3 (MANE Select); coding-DNA position 4256, C replaced by T.
Protein change: p.Ala1419Val; replaces alanine 1419 with valine.
Molecular consequence: missense variant.
Genome position (GRCh38, 1-based): chr1:10,639,966, G>A on the plus strand (C>T on the coding strand, the complement: CASZ1 is on the minus strand). VCF-style: chr1-10639966-G-A. GRCh37 (hg19) VCF-style: chr1-10700023-G-A.
Other names: short protein forms A1419V.
Identifiers: ClinVar variation 2903711 (VCV002903711.3), dbSNP rs746210310, ClinGen allele CA584191.

ClinVar aggregate classification (germline): Uncertain significance (1 of 4 stars; one submission).

gnomAD v4.1: 182 of 1,612,674 alleles (0.011%); highest among the groups gnomAD compares: Non-Finnish European, 0.015%; no homozygotes.

Submission:

Labcorp Genetics (formerly Invitae), Labcorp
Classification: Uncertain significance. Last evaluated: 2024-01-22. Review status: criteria provided, single submitter. Criteria: Invitae Variant Classification Sherloc (09022015). Collection method: clinical testing. Allele origin: germline.
Comment: This sequence change replaces alanine, which is neutral and non-polar, with valine, which is neutral and non-polar, at codon 1419 of the CASZ1 protein (p.Ala1419Val). This variant is present in population databases (rs746210310, gnomAD 0.01%). This variant has not been reported in the literature in individuals affected with CASZ1-related conditions. An algorithm developed to predict the effect of missense changes on protein structure and function (PolyPhen-2) suggests that this variant is likely to be disruptive. In summary, the available evidence is currently insufficient to determine the role of this variant in disease. Therefore, it has been classified as a Variant of Uncertain Significance.